The following is an entry in ClinVar:

ClinVar aggregate classification (germline): Uncertain significance (1 of 4 stars; one submission).

Conditions:
Adenylosuccinate lyase deficiency (ADSLD). Also called: ADSL DEFICIENCY. Identifiers: Orphanet 46, MedGen C0268126, MONDO:0007068, OMIM 103050.

Submission:

Labcorp Genetics (formerly Invitae), Labcorp
Classification: Uncertain significance for Adenylosuccinate lyase deficiency. Last evaluated: 2022-03-04. Review status: criteria provided, single submitter. Criteria: Invitae Variant Classification Sherloc (09022015). Collection method: clinical testing. Allele origin: germline.
Comment: This variant occurs in a non-coding region of the ADSL gene. It does not change the encoded amino acid sequence of the ADSL protein. This variant is not present in population databases (gnomAD no frequency). This variant has not been reported in the literature in individuals affected with ADSL-related conditions. Experimental studies and prediction algorithms are not available or were not evaluated, and the functional significance of this variant is currently unknown. In summary, the available evidence is currently insufficient to determine the role of this variant in disease. Therefore, it has been classified as a Variant of Uncertain Significance.

NC_000022.11:g.40345597G>T

Gene: ADSL (adenylosuccinate lyase; plus strand). Cytogenetic location: 22q13.1.
Variant type: single nucleotide variant.
Genome position: GRCh38 VCF-style: chr22-40345597-G-T. GRCh37 (hg19) VCF-style: chr22-40741601-G-T.
Identifiers: ClinVar variation 1472856 (VCV001472856.4), dbSNP rs1470349903, ClinGen allele CA753179528.
Genomic context (GRCh38, chr22:40,345,597, plus strand): 5'-CTGGCACTCCAGACTGAACAACATAGCAAGACCCTGTCAAAAAAAAAAAAAAGGGGGGGG[G>T]CCACTTGAGTGTTTCTATTTCTATTTATTTATTTAATTCTTTTATTTTTTGGAGACGGAG-3'